The following is an entry in ClinVar:

ClinVar aggregate classification (germline): Pathogenic (1 of 4 stars; one submission).

Submission:

Labcorp Genetics (formerly Invitae), Labcorp
Classification: Pathogenic. Last evaluated: 2024-11-16. Review status: criteria provided, single submitter. Criteria: Invitae Variant Classification Sherloc (09022015). Collection method: clinical testing. Allele origin: germline.
Comment: This variant occurs in an alternate reading frame HRURF in the HR gene as c.1A>G and p.Met1?, and corresponds to NM_005144.4: c.-321A>G in the primary transcript. This variant occurs in a non-coding region of the HR gene. It does not change the encoded amino acid sequence of the HR protein. This variant is not present in population databases (gnomAD no frequency). This variant has been observed in individuals with Marie Unna hereditary hypotrichosis (PMID: 19122663, 20055871). It has also been observed to segregate with disease in related individuals. For these reasons, this variant has been classified as Pathogenic.

Literature cited by the submitters: PubMed 19122663; PubMed 20055871.

NM_005144.5(HR):c.-321A>G

Genes: HR (HR lysine demethylase and nuclear receptor corepressor; minus strand), HRURF (HR upstream open reading frame; minus strand). Cytogenetic location: 8p21.3.
Variant type: single nucleotide variant.
Coding change: c.-321A>G on transcript NM_005144.5 (MANE Select); 321 bases upstream of the start codon, A replaced by G.
Molecular consequence: 5 prime UTR variant. On other transcripts: missense variant (1), initiator codon variant (1).
Genome position (GRCh38, 1-based): chr8:22,130,708, T>C on the plus strand (A>G on the coding strand, the complement: HR is on the minus strand). VCF-style: chr8-22130708-T-C. GRCh37 (hg19) VCF-style: chr8-21988221-T-C.
Other names: c.1A>G, p.Met1Val (NM_001394132.1); c.-321A>G (NM_018411.4); short protein forms M1V.
Identifiers: ClinVar variation 3646769 (VCV003646769.2).